The following is an entry in ClinVar:

ClinVar aggregate classification (germline): Uncertain significance (1 of 4 stars; one submission).

Conditions:
Nephronophthisis. Also called: Juvenile Nephronophthisis. Identifiers: Orphanet 655, MedGen C0687120, MONDO:0019005, HP:0000090.

gnomAD v4.1: 1 of 1,609,476 alleles (0.000062%); highest among the groups gnomAD compares: Non-Finnish European, 0.000085%; no homozygotes.

Submission:

Labcorp Genetics (formerly Invitae), Labcorp
Classification: Uncertain significance for Nephronophthisis. Last evaluated: 2023-10-09. Review status: criteria provided, single submitter. Criteria: Invitae Variant Classification Sherloc (09022015). Collection method: clinical testing. Allele origin: germline.
Comment: This sequence change replaces glycine, which is neutral and non-polar, with glutamic acid, which is acidic and polar, at codon 154 of the IQCB1 protein (p.Gly154Glu). This variant is not present in population databases (gnomAD no frequency). This variant has not been reported in the literature in individuals affected with IQCB1-related conditions. ClinVar contains an entry for this variant (Variation ID: 1388083). Advanced modeling of protein sequence and biophysical properties (such as structural, functional, and spatial information, amino acid conservation, physicochemical variation, residue mobility, and thermodynamic stability) performed at Invitae indicates that this missense variant is not expected to disrupt IQCB1 protein function. Algorithms developed to predict the effect of sequence changes on RNA splicing suggest that this variant may create or strengthen a splice site. In summary, the available evidence is currently insufficient to determine the role of this variant in disease. Therefore, it has been classified as a Variant of Uncertain Significance.

NM_001023570.4(IQCB1):c.461G>A (p.Gly154Glu)

Gene: IQCB1 (IQ motif containing B1; minus strand). Cytogenetic location: 3q13.33.
Variant type: single nucleotide variant.
Coding change: c.461G>A on transcript NM_001023570.4 (MANE Select); coding-DNA position 461, G replaced by A.
Protein change: p.Gly154Glu; replaces glycine 154 with glutamic acid.
Molecular consequence: missense variant. On other transcripts: non-coding transcript variant (1).
Genome position (GRCh38, 1-based): chr3:121,808,942, C>T on the plus strand (G>A on the coding strand, the complement: IQCB1 is on the minus strand). VCF-style: chr3-121808942-C-T. GRCh37 (hg19) VCF-style: chr3-121527789-C-T.
Other names: c.461G>A, p.Gly154Glu (NM_001023571.4, NM_001319107.2); short protein forms G154E.
Identifiers: ClinVar variation 1388083 (VCV001388083.8), dbSNP rs376120512, ClinGen allele CA82691565.